The following is an entry in ClinVar:

NM_198514.4(NHLRC2):c.43C>G (p.Leu15Val)

Genes: NHLRC2 (NHL repeat containing 2; plus strand), LOC130004775 (ATAC-STARR-seq lymphoblastoid silent region 2838; plus strand). Cytogenetic location: 10q25.3.
Variant type: single nucleotide variant.
Coding change: c.43C>G on transcript NM_198514.4 (MANE Select); coding-DNA position 43, C replaced by G.
Protein change: p.Leu15Val; replaces leucine 15 with valine.
Molecular consequence: missense variant.
Genome position (GRCh38, 1-based): chr10:113,854,915, C>G. VCF-style: chr10-113854915-C-G. GRCh37 (hg19) VCF-style: chr10-115614674-C-G.
Other names: short protein forms L15V.
Identifiers: ClinVar variation 3348684 (VCV003348684.1).

ClinVar aggregate classification (germline): Likely benign (0 of 4 stars; one submission).

Conditions:
NHLRC2-related disorder. Also called: NHLRC2-related condition.

gnomAD v4.1: 428 of 1,553,164 alleles (0.028%); highest among the groups gnomAD compares: African/African-American, 0.54%; 1 homozygote.

Submission:

PreventionGenetics, part of Exact Sciences
Classification: Likely benign for NHLRC2-related condition. Last evaluated: 2024-08-26. Review status: no assertion criteria provided. Collection method: clinical testing. Allele origin: germline.
Comment: This variant is classified as likely benign based on ACMG/AMP sequence variant interpretation guidelines (Richards et al. 2015 PMID: 25741868, with internal and published modifications).